The following is an entry in ClinVar:

NM_021830.5(TWNK):c.123G>C (p.Arg41Ser)

Gene: TWNK (twinkle mtDNA helicase; plus strand). Cytogenetic location: 10q24.31.
Variant type: single nucleotide variant.
Coding change: c.123G>C on transcript NM_021830.5 (MANE Select); coding-DNA position 123, G replaced by C.
Protein change: p.Arg41Ser; replaces arginine 41 with serine.
Molecular consequence: missense variant. On other transcripts: non-coding transcript variant (4), intron variant (3).
Genome position (GRCh38, 1-based): chr10:100,988,333, G>C. VCF-style: chr10-100988333-G-C. GRCh37 (hg19) VCF-style: chr10-102748090-G-C.
Other names: c.123G>C, p.Arg41Ser (NM_001163812.2); c.-120+720G>C (NM_001163814.2, NM_001163813.2); c.-58+720G>C (NM_001368275.1); short protein forms R41S.
Identifiers: ClinVar variation 3347667 (VCV003347667.1).

ClinVar aggregate classification (germline): Uncertain significance (0 of 4 stars; one submission).

Conditions:
TWNK-related disorder. Also called: TWNK-related condition.

gnomAD v4.1: 1 of 1,614,252 alleles (0.000062%); highest among the groups gnomAD compares: Non-Finnish European, 0.000085%; no homozygotes.

Submission:

PreventionGenetics, part of Exact Sciences
Classification: Uncertain significance for TWNK-related condition. Last evaluated: 2024-09-28. Review status: no assertion criteria provided. Collection method: clinical testing. Allele origin: germline.
Comment: The TWNK c.123G>C variant is predicted to result in the amino acid substitution p.Arg41Ser. To our knowledge, this variant has not been reported in the literature. This variant is reported in 0.00088% of alleles in individuals of European (Non-Finnish) descent in gnomAD. At this time, the clinical significance of this variant is uncertain due to the absence of conclusive functional and genetic evidence.